The following is an entry in ClinVar:

ClinVar aggregate classification (germline): Uncertain significance. Review status: criteria provided, multiple submitters, no conflicts (2 of 4 stars). 2 submissions from 2 submitters: Uncertain significance (2). Last evaluated 2025-10-02.

Conditions:
Inborn genetic diseases. Identifiers: MedGen C0950123, MeSH D030342.

Allele frequency attached by ClinVar (database versions not stated): gnomAD 0.00001; TOPMed below 0.00001.

Submissions (2):

Dasa
Classification: Uncertain significance. Last evaluated: 2025-10-02. Review status: criteria provided, single submitter. Criteria: DASA Assertion Criteria. Collection method: clinical testing. Allele origin: germline.
Comment: NM_006236.3(POU3F3):c.551C>G (p.Pro184Arg) is a missense variant that results in the substitution of proline with arginine. This variant is rare in population databases. Computational prediction algorithms are consistent with a benign effect. The currently available literature and clinical evidence are not sufficient to establish a definitive association between this variant and the reported condition. Therefore, this variant is classified as a variant of uncertain significance.

Ambry Genetics
Classification: Uncertain significance for Inborn genetic diseases. Last evaluated: 2023-10-05. Review status: criteria provided, single submitter. Criteria: Ambry Variant Classification Scheme 2023. Collection method: clinical testing. Allele origin: germline.

NM_006236.3(POU3F3):c.551C>G (p.Pro184Arg)

Gene: POU3F3 (POU class 3 homeobox 3; plus strand). Cytogenetic location: 2q12.1.
Variant type: single nucleotide variant.
Coding change: c.551C>G on transcript NM_006236.3 (MANE Select); coding-DNA position 551, C replaced by G.
Protein change: p.Pro184Arg; replaces proline 184 with arginine.
Molecular consequence: missense variant.
Genome position (GRCh38, 1-based): chr2:104,856,061, C>G. VCF-style: chr2-104856061-C-G. GRCh37 (hg19) VCF-style: chr2-105472519-C-G.
Other names: short protein forms P184R.
Identifiers: ClinVar variation 3216933 (VCV003216933.3), dbSNP rs1676558990, ClinGen allele CA348096992.